The following is an entry in ClinVar:

NM_015338.6(ASXL1):c.1153G>A (p.Gly385Ser)

Gene: ASXL1 (ASXL transcriptional regulator 1; plus strand). Cytogenetic location: 20q11.21.
Variant type: single nucleotide variant.
Coding change: c.1153G>A on transcript NM_015338.6 (MANE Select); coding-DNA position 1153, G replaced by A.
Protein change: p.Gly385Ser; replaces glycine 385 with serine.
Molecular consequence: missense variant.
Genome position (GRCh38, 1-based): chr20:32,433,351, G>A. VCF-style: chr20-32433351-G-A. GRCh37 (hg19) VCF-style: chr20-31021154-G-A.
Other names: c.970G>A, p.Gly324Ser (NM_001363734.1); short protein forms G385S, G324S.
Identifiers: ClinVar variation 2048023 (VCV002048023.5), dbSNP rs963466544, ClinGen allele CA313925352.
Genomic context (GRCh38, chr20:32,433,351, plus strand): 5'-TTGACCAAAGAAGAGTCATTGCAGCAGAACGTGGGCCAGGAGGAGGCTGAAATCAAAAGT[G>A]GCTTGTGTGTCCCAGGAGAATCAGTGCGTATACAGCGTGGTCCAGCCACCCGACAGCGAG-3'
Protein context (NP_056153.2, residues 375-395): VGQEEAEIKS[Gly385Ser]LCVPGESVRI

ClinVar aggregate classification (germline): Uncertain significance. Review status: criteria provided, multiple submitters, no conflicts (2 of 4 stars). 2 submissions from 2 submitters: Uncertain significance (2). Last evaluated 2025-03-31.

Conditions:
Inborn genetic diseases. Identifiers: MedGen C0950123, MeSH D030342.

Allele frequency attached by ClinVar (database versions not stated): gnomAD 0.00001; TOPMed 0.00001.
gnomAD v4.1: 17 of 1,614,054 alleles (0.0011%); highest among the groups gnomAD compares: Non-Finnish European, 0.0014%; no homozygotes.

Submissions (2):

Ambry Genetics
Classification: Uncertain significance for Inborn genetic diseases. Last evaluated: 2025-03-31. Review status: criteria provided, single submitter. Criteria: Ambry Variant Classification Scheme 2023. Collection method: clinical testing. Allele origin: germline.
Comment: The p.G385S variant (also known as c.1153G>A), located in coding exon 12 of the ASXL1 gene, results from a G to A substitution at nucleotide position 1153. The glycine at codon 385 is replaced by serine, an amino acid with similar properties. This amino acid position is conserved. In addition, this alteration is predicted to be tolerated by in silico analysis. Based on the available evidence, the clinical significance of this variant remains unclear.

Labcorp Genetics (formerly Invitae), Labcorp
Classification: Uncertain significance. Last evaluated: 2022-08-27. Review status: criteria provided, single submitter. Criteria: Invitae Variant Classification Sherloc (09022015). Collection method: clinical testing. Allele origin: germline.
Comment: In summary, the available evidence is currently insufficient to determine the role of this variant in disease. Therefore, it has been classified as a Variant of Uncertain Significance. Algorithms developed to predict the effect of missense changes on protein structure and function output the following: SIFT: "Tolerated"; PolyPhen-2: "Benign"; Align-GVGD: "Class C0". The serine amino acid residue is found in multiple mammalian species, which suggests that this missense change does not adversely affect protein function. This variant has not been reported in the literature in individuals affected with ASXL1-related conditions. This variant is present in population databases (no rsID available, gnomAD 0.0009%). This sequence change replaces glycine, which is neutral and non-polar, with serine, which is neutral and polar, at codon 385 of the ASXL1 protein (p.Gly385Ser).